The following is an entry in ClinVar:

NM_001128636.4(ELFN1):c.-1G>A

Gene: ELFN1 (extracellular leucine rich repeat and fibronectin type III domain containing 1; plus strand). Cytogenetic location: 7p22.3.
Variant type: single nucleotide variant.
Coding change: c.-1G>A on transcript NM_001128636.4 (MANE Select); 1 bases upstream of the start codon, G replaced by A.
Molecular consequence: 5 prime UTR variant.
Genome position (GRCh38, 1-based): chr7:1,744,596, G>A. VCF-style: chr7-1744596-G-A. GRCh37 (hg19) VCF-style: chr7-1784232-G-A.
Other names: c.-1G>A (NM_001394187.1, NM_001394188.1).
Identifiers: ClinVar variation 2657220 (VCV002657220.24), dbSNP rs752800060, ClinGen allele CA4122300.

ClinVar aggregate classification (germline): Likely benign (1 of 4 stars; one submission).

Allele frequency attached by ClinVar (database versions not stated): TOPMed 0.00015; gnomAD 0.00020; gnomAD exomes 0.00024; ExAC 0.00100.
gnomAD v4.1: 357 of 1,511,586 alleles (0.024%); highest among the groups gnomAD compares: Non-Finnish European, 0.028%; 1 homozygote.

Submission:

CeGaT Center for Human Genetics Tuebingen
Classification: Likely benign. Last evaluated: 2023-03-01. Review status: criteria provided, single submitter. Criteria: CeGaT Center For Human Genetics Tuebingen Variant Classification Criteria Version 2. Collection method: clinical testing. Allele origin: germline. Affected: yes. Observed: 1 variant allele.
Comment: ELFN1: BP4, BS2